The following is an entry in ClinVar:

ClinVar aggregate classification (germline): Uncertain significance (1 of 4 stars; one submission).

Conditions:
Autoimmune lymphoproliferative syndrome type 2B. Also called: AUTOIMMUNE LYMPHOPROLIFERATIVE SYNDROME, TYPE IIB. Identifiers: Orphanet 275517, MedGen C1846545, MONDO:0011804, OMIM 607271.

Allele frequency attached by ClinVar (database versions not stated): ExAC 0.00002; gnomAD exomes 0.00002 and 0.00005; gnomAD 0.00004; TOPMed 0.00005; ESP Exome Variant Server 0.00008; 1000 Genomes Project 30x 0.00016; 1000 Genomes Project 0.00020.
gnomAD v4.1: 87 of 1,614,098 alleles (0.0054%); highest among the groups gnomAD compares: Non-Finnish European, 0.0069%; no homozygotes.

Submission:

Labcorp Genetics (formerly Invitae), Labcorp
Classification: Uncertain significance for Autoimmune lymphoproliferative syndrome type 2B. Last evaluated: 2022-04-16. Review status: criteria provided, single submitter. Criteria: Invitae Variant Classification Sherloc (09022015). Collection method: clinical testing. Allele origin: germline.
Comment: This sequence change replaces isoleucine, which is neutral and non-polar, with threonine, which is neutral and polar, at codon 176 of the CASP8 protein (p.Ile176Thr). This variant is present in population databases (rs142688117, gnomAD 0.005%). This variant has not been reported in the literature in individuals affected with CASP8-related conditions. Algorithms developed to predict the effect of missense changes on protein structure and function (SIFT, PolyPhen-2, Align-GVGD) all suggest that this variant is likely to be tolerated. In summary, the available evidence is currently insufficient to determine the role of this variant in disease. Therefore, it has been classified as a Variant of Uncertain Significance.

NM_001372051.1(CASP8):c.431T>C (p.Ile144Thr)

Gene: CASP8 (caspase 8; plus strand). Cytogenetic location: 2q33.1.
Variant type: single nucleotide variant.
Coding change: c.431T>C on transcript NM_001372051.1 (MANE Select); coding-DNA position 431, T replaced by C.
Protein change: p.Ile144Thr; replaces isoleucine 144 with threonine.
Molecular consequence: missense variant. On other transcripts: non-coding transcript variant (22), 5 prime UTR variant (11).
Genome position (GRCh38, 1-based): chr2:201,272,657, T>C. VCF-style: chr2-201272657-T-C. GRCh37 (hg19) VCF-style: chr2-202137380-T-C.
Other names: c.431T>C, p.Ile144Thr (NM_001080124.2, NM_001400645.1, NM_001400648.1 and 20 more transcripts); c.608T>C, p.Ile203Thr (NM_001080125.2, NM_001400642.1, NM_001400665.1); c.527T>C, p.Ile176Thr (NM_001228.5); c.122T>C, p.Ile41Thr (NM_001400669.1); c.-102T>C (NM_001400671.1, NM_001400672.1, NM_001400673.1 and 6 more transcripts); c.-283T>C (NM_001400674.1); c.-181T>C (NM_001400680.1); short protein forms I176T, I203T, I144T, I41T.
Identifiers: ClinVar variation 1435894 (VCV001435894.3), dbSNP rs142688117, ClinGen allele CA2053558.